The following is an entry in ClinVar:

NM_000245.4(MET):c.1751G>A (p.Cys584Tyr)

Gene: MET (MET proto-oncogene, receptor tyrosine kinase; plus strand). Cytogenetic location: 7q31.2.
Variant type: single nucleotide variant.
Coding change: c.1751G>A on transcript NM_000245.4 (MANE Select); coding-DNA position 1751, G replaced by A.
Protein change: p.Cys584Tyr; replaces cysteine 584 with tyrosine.
Molecular consequence: missense variant.
Genome position (GRCh38, 1-based): chr7:116,755,404, G>A. VCF-style: chr7-116755404-G-A. GRCh37 (hg19) VCF-style: chr7-116395458-G-A.
Other names: c.1751G>A, p.Cys584Tyr (NM_001127500.3, NM_001324401.3); c.461G>A, p.Cys154Tyr (NM_001324402.2); short protein forms C154Y, C584Y.
Identifiers: ClinVar variation 5024359 (VCV005024359.1).

ClinVar aggregate classification (germline): Uncertain significance (1 of 4 stars; one submission).

Conditions:
Hereditary cancer-predisposing syndrome. Also called: Neoplastic Syndromes, Hereditary; Tumor predisposition; Hereditary neoplastic syndrome; Hereditary Cancer Syndrome. Identifiers: Orphanet 140162, MedGen C0027672, MeSH D009386, MONDO:0015356.

gnomAD v4.1: 1 of 1,614,140 alleles (0.000062%); highest among the groups gnomAD compares: Non-Finnish European, 0.000085%; no homozygotes.

Submission:

Ambry Genetics
Classification: Uncertain significance for Hereditary cancer-predisposing syndrome. Last evaluated: 2026-07-06. Review status: criteria provided, single submitter. Criteria: Ambry Variant Classification Scheme 2023. Collection method: clinical testing. Allele origin: germline.
Comment: The p.C584Y variant (also known as c.1751G>A), located in coding exon 5 of the MET gene, results from a G to A substitution at nucleotide position 1751. The cysteine at codon 584 is replaced by tyrosine, an amino acid with highly dissimilar properties. This amino acid position is conserved. In addition, this alteration is predicted to be deleterious by in silico analysis. Based on the available evidence, the clinical significance of this variant remains unclear.